The following is an entry in ClinVar:

ClinVar aggregate classification (germline): Uncertain significance (1 of 4 stars; one submission).

gnomAD v4.1: 5 of 1,612,644 alleles (0.00031%); highest among the groups gnomAD compares: Non-Finnish European, 0.00042%; no homozygotes.

Submission:

GeneDx
Classification: Uncertain significance. Last evaluated: 2024-11-22. Review status: criteria provided, single submitter. Criteria: GeneDx Variant Classification Process June 2021. Collection method: clinical testing. Allele origin: germline. Affected: yes.
Comment: Has not been previously published as pathogenic or benign to our knowledge; Not observed at significant frequency in large population cohorts (gnomAD); In silico analysis indicates that this missense variant does not alter protein structure/function

NM_030912.3(TRIM8):c.1323C>A (p.Phe441Leu)

Gene: TRIM8 (tripartite motif containing 8; plus strand). Cytogenetic location: 10q24.32.
Variant type: single nucleotide variant.
Coding change: c.1323C>A on transcript NM_030912.3 (MANE Select); coding-DNA position 1323, C replaced by A.
Protein change: p.Phe441Leu; replaces phenylalanine 441 with leucine.
Molecular consequence: missense variant. On other transcripts: non-coding transcript variant (1).
Genome position (GRCh38, 1-based): chr10:102,657,021, C>A. VCF-style: chr10-102657021-C-A. GRCh37 (hg19) VCF-style: chr10-104416778-C-A.
Other names: c.1227C>A, p.Phe409Leu (NM_001345950.1); short protein forms F409L, F441L.
Identifiers: ClinVar variation 3900431 (VCV003900431.1).